The following is an entry in ClinVar:

NM_001291303.3(FAT4):c.1898G>T (p.Arg633Leu)

Gene: FAT4 (FAT atypical cadherin 4; plus strand). Cytogenetic location: 4q28.1.
Variant type: single nucleotide variant.
Coding change: c.1898G>T on transcript NM_001291303.3 (MANE Select); coding-DNA position 1898, G replaced by T.
Protein change: p.Arg633Leu; replaces arginine 633 with leucine.
Molecular consequence: missense variant.
Genome position (GRCh38, 1-based): chr4:125,318,309, G>T. VCF-style: chr4-125318309-G-T. GRCh37 (hg19) VCF-style: chr4-126239464-G-T.
Other names: c.1898G>T, p.Arg633Leu (NM_001291285.3, NM_024582.6); short protein forms R633L.
Identifiers: ClinVar variation 1467322 (VCV001467322.6), dbSNP rs370926669, ClinGen allele CA3072074.

ClinVar aggregate classification (germline): Uncertain significance (1 of 4 stars; one submission).

gnomAD v4.1: 7 of 1,614,096 alleles (0.00043%); highest among the groups gnomAD compares: Non-Finnish European, 0.00059%; no homozygotes.

Submission:

Labcorp Genetics (formerly Invitae), Labcorp
Classification: Uncertain significance. Last evaluated: 2025-06-22. Review status: criteria provided, single submitter. Criteria: Invitae Variant Classification Sherloc (09022015). Collection method: clinical testing. Allele origin: germline.
Comment: This sequence change replaces arginine, which is basic and polar, with leucine, which is neutral and non-polar, at codon 633 of the FAT4 protein (p.Arg633Leu). This variant is present in population databases (rs370926669, gnomAD 0.0009%). This variant has not been reported in the literature in individuals affected with FAT4-related conditions. ClinVar contains an entry for this variant (Variation ID: 1467322). Invitae Evidence Modeling of protein sequence and biophysical properties (such as structural, functional, and spatial information, amino acid conservation, physicochemical variation, residue mobility, and thermodynamic stability) indicates that this missense variant is expected to disrupt FAT4 protein function with a positive predictive value of 80%. In summary, the available evidence is currently insufficient to determine the role of this variant in disease. Therefore, it has been classified as a Variant of Uncertain Significance.